The following is an entry in ClinVar:

NM_000465.4(BARD1):c.100T>C (p.Trp34Arg)

Gene: BARD1 (BRCA1 associated RING domain 1; minus strand). Cytogenetic location: 2q35.
Variant type: single nucleotide variant.
Coding change: c.100T>C on transcript NM_000465.4 (MANE Select); coding-DNA position 100, T replaced by C.
Protein change: p.Trp34Arg; replaces tryptophan 34 with arginine.
Molecular consequence: missense variant. On other transcripts: non-coding transcript variant (3).
Genome position (GRCh38, 1-based): chr2:214,809,470, A>G on the plus strand (T>C on the coding strand, the complement: BARD1 is on the minus strand). VCF-style: chr2-214809470-A-G. GRCh37 (hg19) VCF-style: chr2-215674194-A-G.
Other names: c.100T>C (NM_000465.3); c.100T>C, p.Trp34Arg (NM_001282543.2, NM_001282545.2, NM_001282548.2 and 1 more transcripts); short protein forms W34R.
Identifiers: ClinVar variation 1016763 (VCV001016763.13), dbSNP rs955904953, ClinGen allele CA64810307.

ClinVar aggregate classification (germline): Uncertain significance. Review status: criteria provided, multiple submitters, no conflicts (2 of 4 stars). 3 submissions from 3 submitters: Uncertain significance (3). Last evaluated 2023-07-06.

Conditions:
Hereditary cancer-predisposing syndrome. Also called: Tumor predisposition; Neoplastic Syndromes, Hereditary; Hereditary neoplastic syndrome; Hereditary Cancer Syndrome. Identifiers: Orphanet 140162, MedGen C0027672, MeSH D009386, MONDO:0015356.
Familial cancer of breast. Also called: Hereditary breast cancer; BREAST CANCER, FAMILIAL; hereditary breast carcinoma. Identifiers: Orphanet 227535, MedGen C0346153, MONDO:0016419, OMIM 114480. Disease mechanism: loss of function.

Allele frequency attached by ClinVar (database versions not stated): gnomAD exomes below 0.00001; TOPMed 0.00001.
gnomAD v4.1: 1 of 1,610,494 alleles (0.000062%); highest among the groups gnomAD compares: Non-Finnish European, 0.000085%; no homozygotes.

Submissions (3):

KCCC/NGS Laboratory, Kuwait Cancer Control Center
Classification: Uncertain significance for Familial cancer of breast. Last evaluated: 2023-07-06. Review status: criteria provided, single submitter. Criteria: ACMG Guidelines, 2015. Collection method: clinical testing. Allele origin: unknown. Inheritance: Autosomal dominant inheritance. Affected: yes. Observed: 1 heterozygote.
Comment: This sequence change replaces Tryptophan with Arginine at codon 34 of the BARD1 protein (p.Trp34Arg) an amino acid with dissimilar properties.The p.W34R variant (also known as c.100T>C), located in coding exon 1 of the BARD1 gene, results from a T to C substitution at nucleotide position 100. Functional analyses demonstrates that this variant retains 40% homology-directed repair function compared to wild-type (PMID: 26350354) . This amino acid position is not highly conserved (PhyloP100way =2.5) . In addition, the In-silico predictions show pathogenic computational verdict based on 10 pathogenic predictions from BayesDel addAF , MetaLR , MetaSVM , LRT , M-CAP , MVP , PrimateAI , PROVEAN , SIFT and polyphen vs 4 benign prediction from FATHMM , LIST-S2 , Mutation assessor and MutPred. Since supporting evidence is limited at this time, the clinical significance of this alteration remains unclear. Therefore, it has been classified as a Variant of Uncertain Significance.

Ambry Genetics
Classification: Uncertain significance for Hereditary cancer-predisposing syndrome. Last evaluated: 2023-04-16. Review status: criteria provided, single submitter. Criteria: Ambry Variant Classification Scheme 2023. Collection method: clinical testing. Allele origin: germline.
Comment: The p.W34R variant (also known as c.100T>C), located in coding exon 1 of the BARD1 gene, results from a T to C substitution at nucleotide position 100. The tryptophan at codon 34 is replaced by arginine, an amino acid with dissimilar properties. Functional analyses demonstrates that this variant retains 40% homology-directed repair function compared to wild-type (Lee C et al. Hum. Mutat. 2015 Dec;36(12):1205-14). This amino acid position is highly conserved in available vertebrate species. In addition, the in silico prediction for this alteration is inconclusive. Since supporting evidence is limited at this time, the clinical significance of this alteration remains unclear.

Labcorp Genetics (formerly Invitae), Labcorp
Classification: Uncertain significance for Familial cancer of breast. Last evaluated: 2022-03-08. Review status: criteria provided, single submitter. Criteria: Invitae Variant Classification Sherloc (09022015). Collection method: clinical testing. Allele origin: germline.
Comment: Algorithms developed to predict the effect of missense changes on protein structure and function are either unavailable or do not agree on the potential impact of this missense change (SIFT: "Deleterious"; PolyPhen-2: "Probably Damaging"; Align-GVGD: "Class C0"). In summary, the available evidence is currently insufficient to determine the role of this variant in disease. Therefore, it has been classified as a Variant of Uncertain Significance. Experimental studies have shown that this missense change affects BARD1 function (PMID: 26350354). ClinVar contains an entry for this variant (Variation ID: 1016763). This variant has not been reported in the literature in individuals affected with BARD1-related conditions. This variant is not present in population databases (gnomAD no frequency). This sequence change replaces tryptophan, which is neutral and slightly polar, with arginine, which is basic and polar, at codon 34 of the BARD1 protein (p.Trp34Arg).

Literature cited by the submitters: PubMed 26350354 (cited by Ambry Genetics and Labcorp Genetics (formerly Invitae), Labcorp).